The following is an entry in ClinVar:

NM_022455.5(NSD1):c.2007C>T (p.Phe669=)

Gene: NSD1 (nuclear receptor binding SET domain protein 1; plus strand). Cytogenetic location: 5q35.3.
Variant type: single nucleotide variant.
Coding change: c.2007C>T on transcript NM_022455.5 (MANE Select); coding-DNA position 2007, C replaced by T.
Protein change: p.Phe669=; no amino-acid change (phenylalanine 669 retained).
Molecular consequence: synonymous variant.
Genome position (GRCh38, 1-based): chr5:177,210,406, C>T. VCF-style: chr5-177210406-C-T. GRCh37 (hg19) VCF-style: chr5-176637407-C-T.
Other names: c.1134C>T, p.Phe378= (NM_001365684.2, NM_001409306.1, NM_001409307.1 and 3 more transcripts); c.2007C>T, p.Phe669= (NM_001409301.1, NM_001409302.1, NM_001409303.1); c.1587C>T, p.Phe529= (NM_001409304.1); c.1254C>T, p.Phe418= (NM_001409305.1).
Identifiers: ClinVar variation 1078888 (VCV001078888.30), dbSNP rs530934556, ClinGen allele CA3577182.
Genomic context (GRCh38, chr5:177,210,406, plus strand): 5'-GGATCCCATAGAACACAGCTCAGAGTCTGATAACAGTGTCCTTGAAATTCCAGATGCTTT[C>T]GATAGAACAGAGAACATGTTATCTATGCAGAAAAATGAAAAGATAAAGTATTCTAGGTTT-3'
Protein context (NP_071900.2, residues 659-679): DNSVLEIPDA[Phe669=]DRTENMLSMQ

ClinVar aggregate classification (germline): Likely benign. Review status: criteria provided, multiple submitters, no conflicts (2 of 4 stars). 4 submissions from 4 submitters: Likely benign (4). Last evaluated 2025-06-08.

Conditions:
Sotos syndrome (SOTOS). Also called: SOTOS SYNDROME 1; CEREBRAL GIGANTISM; Sotos' syndrome; Distinctive facial appearance, overgrowth in childhood, and learning disabilities or delayed development; CHROMOSOME 5q35 DELETION SYNDROME. Identifiers: Orphanet 821, MedGen C0175695, MONDO:0019349, OMIM 117550.
Inborn genetic diseases. Identifiers: MedGen C0950123, MeSH D030342.

Allele frequency attached by ClinVar (database versions not stated): gnomAD 0.00001 and 0.00003; TOPMed 0.00002; gnomAD exomes 0.00003 and 0.00006; ExAC 0.00007; 1000 Genomes Project 30x 0.00016; 1000 Genomes Project 0.00020.
gnomAD v4.1: 56 of 1,613,928 alleles (0.0035%); highest among the groups gnomAD compares: South Asian, 0.04%; no homozygotes.

Submissions (4):

Labcorp Genetics (formerly Invitae), Labcorp
Classification: Likely benign. Last evaluated: 2025-06-08. Review status: criteria provided, single submitter. Criteria: Invitae Variant Classification Sherloc (09022015). Collection method: clinical testing. Allele origin: germline.

CeGaT Center for Human Genetics Tuebingen
Classification: Likely benign. Last evaluated: 2024-08-01. Review status: criteria provided, single submitter. Criteria: CeGaT Center For Human Genetics Tuebingen Variant Classification Criteria Version 2. Collection method: clinical testing. Allele origin: germline. Affected: yes. Observed: 1 variant allele.
Comment: NSD1: BP4, BP7

Fulgent Genetics
Classification: Likely benign for Sotos syndrome. Last evaluated: 2021-11-30. Review status: criteria provided, single submitter. Criteria: ACMG Guidelines, 2015. Collection method: clinical testing. Allele origin: unknown.

Ambry Genetics
Classification: Likely benign for Inborn genetic diseases. Last evaluated: 2019-10-23. Review status: criteria provided, single submitter. Criteria: Ambry Variant Classification Scheme 2023. Collection method: clinical testing. Allele origin: germline.